The following is an entry in ClinVar:

NM_002439.5(MSH3):c.3198G>T (p.Arg1066Ser)

Gene: MSH3 (mutS homolog 3; plus strand). Cytogenetic location: 5q14.1.
Variant type: single nucleotide variant.
Coding change: c.3198G>T on transcript NM_002439.5 (MANE Select); coding-DNA position 3198, G replaced by T.
Protein change: p.Arg1066Ser; replaces arginine 1066 with serine.
Molecular consequence: missense variant.
Genome position (GRCh38, 1-based): chr5:80,873,183, G>T. VCF-style: chr5-80873183-G-T. GRCh37 (hg19) VCF-style: chr5-80169002-G-T.
Other names: short protein forms R1066S.
Identifiers: ClinVar variation 643451 (VCV000643451.15), dbSNP rs776035988, ClinGen allele CA3328482.

ClinVar aggregate classification (germline): Uncertain significance. Review status: criteria provided, multiple submitters, no conflicts (2 of 4 stars). 4 submissions from 4 submitters: Uncertain significance (4). Last evaluated 2026-01-18.

Conditions:
Hereditary cancer-predisposing syndrome. Also called: Neoplastic Syndromes, Hereditary; Tumor predisposition; Hereditary neoplastic syndrome; Hereditary Cancer Syndrome. Identifiers: Orphanet 140162, MedGen C0027672, MeSH D009386, MONDO:0015356.
MSH3-related disorder. Also called: MSH3-related condition.
Endometrial carcinoma. Also called: Endometrial carcinoma, somatic. Identifiers: MedGen C0476089, MONDO:0002447, OMIM 608089, HP:0012114.

gnomAD v4.1: 12 of 1,613,864 alleles (0.00074%); highest among the groups gnomAD compares: Admixed American, 0.0017%; no homozygotes.

Submissions (4):

Labcorp Genetics (formerly Invitae), Labcorp
Classification: Uncertain significance. Last evaluated: 2026-01-18. Review status: criteria provided, single submitter. Criteria: Invitae Variant Classification Sherloc (09022015). Collection method: clinical testing. Allele origin: germline.
Comment: This sequence change replaces arginine, which is basic and polar, with serine, which is neutral and polar, at codon 1066 of the MSH3 protein (p.Arg1066Ser). This variant is present in population databases (rs776035988, gnomAD 0.003%). This variant has not been reported in the literature in individuals affected with MSH3-related conditions. ClinVar contains an entry for this variant (Variation ID: 643451). An algorithm developed to predict the effect of missense changes on protein structure and function (PolyPhen-2) suggests that this variant is likely to be disruptive. In summary, the available evidence is currently insufficient to determine the role of this variant in disease. Therefore, it has been classified as a Variant of Uncertain Significance.

Ambry Genetics
Classification: Uncertain significance for Hereditary cancer-predisposing syndrome. Last evaluated: 2024-11-03. Review status: criteria provided, single submitter. Criteria: Ambry Variant Classification Scheme 2023. Collection method: clinical testing. Allele origin: germline.
Comment: The p.R1066S variant (also known as c.3198G>T), located in coding exon 23 of the MSH3 gene, results from a G to T substitution at nucleotide position 3198. The arginine at codon 1066 is replaced by serine, an amino acid with dissimilar properties. This amino acid position is highly conserved in available vertebrate species. In addition, the in silico prediction for this alteration is inconclusive. Since supporting evidence is limited at this time, the clinical significance of this alteration remains unclear.

PreventionGenetics, part of Exact Sciences
Classification: Uncertain significance for MSH3-related condition. Last evaluated: 2024-10-16. Review status: criteria provided, single submitter. Criteria: ACMG Guidelines, 2015. Collection method: clinical testing. Allele origin: germline.
Comment: The MSH3 c.3198G>T variant is predicted to result in the amino acid substitution p.Arg1066Ser. To our knowledge, this variant has not been reported in the literature. This variant is reported in 2 of ~251,000 alleles in gnomAD. It has an interpretation of uncertain significance in ClinVar. At this time, the clinical significance of this variant is uncertain due to the absence of conclusive functional and genetic evidence.

Baylor Genetics
Classification: Uncertain significance for Endometrial carcinoma. Last evaluated: 2023-06-21. Review status: criteria provided, single submitter. Criteria: ACMG Guidelines, 2015. Collection method: clinical testing. Allele origin: unknown.